The following is an entry in ClinVar:

ClinVar aggregate classification (germline): Uncertain significance (1 of 4 stars; one submission).

Allele frequency attached by ClinVar (database versions not stated): gnomAD 0.00001; gnomAD exomes 0.00001; TOPMed 0.00002.
gnomAD v4.1: 22 of 1,553,432 alleles (0.0014%); highest among the groups gnomAD compares: Non-Finnish European, 0.0017%; no homozygotes.

Submission:

Labcorp Genetics (formerly Invitae), Labcorp
Classification: Uncertain significance. Last evaluated: 2024-11-16. Review status: criteria provided, single submitter. Criteria: Invitae Variant Classification Sherloc (09022015). Collection method: clinical testing. Allele origin: germline.
Comment: This sequence change replaces serine, which is neutral and polar, with cysteine, which is neutral and slightly polar, at codon 46 of the PPM1D protein (p.Ser46Cys). This variant is present in population databases (no rsID available, gnomAD 0.004%). This variant has not been reported in the literature in individuals affected with PPM1D-related conditions. ClinVar contains an entry for this variant (Variation ID: 2181288). An algorithm developed to predict the effect of missense changes on protein structure and function (PolyPhen-2) suggests that this variant is likely to be tolerated. In summary, the available evidence is currently insufficient to determine the role of this variant in disease. Therefore, it has been classified as a Variant of Uncertain Significance.

NM_003620.4(PPM1D):c.137C>G (p.Ser46Cys)

Gene: PPM1D (protein phosphatase, Mg2+/Mn2+ dependent 1D; plus strand). Cytogenetic location: 17q23.2.
Variant type: single nucleotide variant.
Coding change: c.137C>G on transcript NM_003620.4 (MANE Select); coding-DNA position 137, C replaced by G.
Protein change: p.Ser46Cys; replaces serine 46 with cysteine.
Molecular consequence: missense variant.
Genome position (GRCh38, 1-based): chr17:60,600,551, C>G. VCF-style: chr17-60600551-C-G. GRCh37 (hg19) VCF-style: chr17-58677912-C-G.
Other names: short protein forms S46C.
Identifiers: ClinVar variation 2181288 (VCV002181288.4), dbSNP rs1010277339, ClinGen allele CA292225296.
Genomic context (GRCh38, chr17:60,600,551, plus strand): 5'-AAATCGTTGTGGAGCCCGAACCGACGGCTGAAGAAAAGCCCTCGCCGCGGCGGTCGCTGT[C>G]TCAGCCGTTGCCTCCGCGGCCGTCGCCGGCCGCCCTTCCCGGCGGCGAAGTCTCGGGGAA-3'
Protein context (NP_003611.1, residues 36-56): EEKPSPRRSL[Ser46Cys]QPLPPRPSPA